The following is an entry in ClinVar:

ClinVar aggregate classification (germline): Benign/Likely benign. Review status: criteria provided, multiple submitters, no conflicts (2 of 4 stars). 5 submissions from 5 submitters: Benign (4); Likely benign (1). Last evaluated 2024-10-07.

Conditions:
Idiopathic generalized epilepsy. Also called: Generalised epilepsy; EIG. Identifiers: MedGen C0270850, MONDO:0005579, OMIM 600669.

Allele frequency attached by ClinVar (database versions not stated): 1000 Genomes Project 0.00399; gnomAD exomes 0.00017 and 0.00047; ExAC 0.00066; ESP Exome Variant Server 0.00164; gnomAD 0.00166 and 0.00173; TOPMed 0.00184; 1000 Genomes Project 30x 0.00375.
gnomAD v4.1: 521 of 1,613,646 alleles (0.032%); highest among the groups gnomAD compares: African/African-American, 0.61%; 2 homozygotes.

Submissions (5):

Blueprint Genetics
Classification: Likely benign. Last evaluated: 2024-10-07. Review status: criteria provided, single submitter. Criteria: ACMG Guidelines, 2015. Collection method: clinical testing. Allele origin: germline.

Athena Diagnostics
Classification: Benign. Last evaluated: 2024-01-02. Review status: criteria provided, single submitter. Criteria: Athena Diagnostics Criteria. Collection method: clinical testing. Allele origin: unknown.

Labcorp Genetics (formerly Invitae), Labcorp
Classification: Benign for Idiopathic generalized epilepsy. Last evaluated: 2023-12-18. Review status: criteria provided, single submitter. Criteria: Invitae Variant Classification Sherloc (09022015). Collection method: clinical testing. Allele origin: germline.

Eurofins Ntd Llc (ga)
Classification: Benign. Last evaluated: 2016-06-13. Review status: criteria provided, single submitter. Criteria: EGL Classification Definitions 2015. Collection method: clinical testing. Allele origin: germline. Observed: 1 variant allele, 1 heterozygote.

GeneDx
Classification: Benign. Last evaluated: 2013-09-05. Review status: criteria provided, single submitter. Criteria: GeneDx Variant Classification (06012015). Collection method: clinical testing. Allele origin: germline. Affected: yes.
Comment: This variant is considered likely benign or benign based on one or more of the following criteria: it is a conservative change, it occurs at a poorly conserved position in the protein, it is predicted to be benign by multiple in silico algorithms, and/or has population frequency not consistent with disease.

NM_000726.5(CACNB4):c.324C>T (p.Asp108=)

Gene: CACNB4 (calcium voltage-gated channel auxiliary subunit beta 4; minus strand). Cytogenetic location: 2q23.3.
Variant type: single nucleotide variant.
Coding change: c.324C>T on transcript NM_000726.5 (MANE Select); coding-DNA position 324, C replaced by T.
Protein change: p.Asp108=; no amino-acid change (aspartic acid 108 retained).
Molecular consequence: synonymous variant. On other transcripts: 5 prime UTR variant (2).
Genome position (GRCh38, 1-based): chr2:151,880,866, G>A on the plus strand (C>T on the coding strand, the complement: CACNB4 is on the minus strand). VCF-style: chr2-151880866-G-A. GRCh37 (hg19) VCF-style: chr2-152737380-G-A.
Other names: p.D108D:GAC>GAT; c.270C>T, p.Asp90= (NM_001005746.4, NM_001330113.2); c.222C>T, p.Asp74= (NM_001005747.4, NM_001330115.2); c.324C>T, p.Asp108= (NM_001145798.3); c.183C>T, p.Asp61= (NM_001320722.3, NM_001330116.2, NM_001330118.2); c.-311C>T (NM_001330114.2); c.-235C>T (NM_001330117.2).
Identifiers: ClinVar variation 136650 (VCV000136650.17), dbSNP rs147647355, ClinGen allele CA289950.